The following is an entry in ClinVar:

ClinVar aggregate classification (germline): Uncertain significance (1 of 4 stars; one submission).

Conditions:
Bethlem myopathy 1A. Also called: MYOPATHY, BENIGN CONGENITAL, WITH CONTRACTURES; Bethlem myopathy 1; Bethlem Muscular Dystrophy. Identifiers: Orphanet 610, MedGen CN029274, MONDO:0024530, OMIM 158810.

Submission:

Labcorp Genetics (formerly Invitae), Labcorp
Classification: Uncertain significance for Bethlem myopathy 1A. Last evaluated: 2025-04-17. Review status: criteria provided, single submitter. Criteria: Invitae Variant Classification Sherloc (09022015). Collection method: clinical testing. Allele origin: germline.
Comment: This sequence change replaces aspartic acid, which is acidic and polar, with glycine, which is neutral and non-polar, at codon 2012 of the COL6A3 protein (p.Asp2012Gly). This variant is not present in population databases (gnomAD no frequency). This variant has not been reported in the literature in individuals affected with COL6A3-related conditions. Invitae Evidence Modeling of protein sequence and biophysical properties (such as structural, functional, and spatial information, amino acid conservation, physicochemical variation, residue mobility, and thermodynamic stability) indicates that this missense variant is expected to disrupt COL6A3 protein function with a positive predictive value of 80%. In summary, the available evidence is currently insufficient to determine the role of this variant in disease. Therefore, it has been classified as a Variant of Uncertain Significance.

NM_004369.4(COL6A3):c.6035A>G (p.Asp2012Gly)

Gene: COL6A3 (collagen type VI alpha 3 chain; minus strand). Cytogenetic location: 2q37.3.
Variant type: single nucleotide variant.
Coding change: c.6035A>G on transcript NM_004369.4 (MANE Select); coding-DNA position 6035, A replaced by G.
Protein change: p.Asp2012Gly; replaces aspartic acid 2012 with glycine.
Molecular consequence: missense variant.
Genome position (GRCh38, 1-based): chr2:237,363,281, T>C on the plus strand (A>G on the coding strand, the complement: COL6A3 is on the minus strand). VCF-style: chr2-237363281-T-C. GRCh37 (hg19) VCF-style: chr2-238271924-T-C.
Other names: c.4214A>G, p.Asp1405Gly (NM_057166.5); c.5417A>G, p.Asp1806Gly (NM_057167.4); short protein forms D1806G, D2012G, D1405G.
Identifiers: ClinVar variation 4740336 (VCV004740336.1).